The following is an entry in ClinVar:

NM_017849.4(TMEM127):c.245-4A>G

Gene: TMEM127 (transmembrane protein 127; minus strand). Cytogenetic location: 2q11.2.
Variant type: single nucleotide variant.
Coding change: c.245-4A>G on transcript NM_017849.4 (MANE Select); 4 bases into the intron before coding-DNA position 245, A replaced by G.
Molecular consequence: intron variant.
Genome position (GRCh38, 1-based): chr2:96,255,001, T>C on the plus strand (A>G on the coding strand, the complement: TMEM127 is on the minus strand). VCF-style: chr2-96255001-T-C. GRCh37 (hg19) VCF-style: chr2-96920739-T-C.
Other names: c.245-4A>G (NM_001193304.3).
Identifiers: ClinVar variation 821302 (VCV000821302.13), dbSNP rs962270831, ClinGen allele CA52413198.

ClinVar aggregate classification (germline): Likely benign. Review status: criteria provided, multiple submitters, no conflicts (2 of 4 stars). 3 submissions from 3 submitters: Likely benign (3). Last evaluated 2026-07-28.

Conditions:
Hereditary cancer-predisposing syndrome. Also called: Hereditary neoplastic syndrome; Neoplastic Syndromes, Hereditary; Tumor predisposition; Hereditary Cancer Syndrome. Identifiers: Orphanet 140162, MedGen C0027672, MeSH D009386, MONDO:0015356.
Hereditary pheochromocytoma and paraganglioma. Also called: Hereditary pheochromocytoma-paraganglioma; Hereditary paragangliomas and pheochromocytomas; Hereditary Paraganglioma-Pheochromocytoma Syndromes. Identifiers: Orphanet 29072, MedGen C4274332, MONDO:0017366.

Allele frequency attached by ClinVar (database versions not stated): gnomAD 0.00001; TOPMed 0.00002.
gnomAD v4.1: 2 of 1,613,994 alleles (0.00012%); highest among the groups gnomAD compares: African/African-American, 0.0027%; no homozygotes.

Submissions (3):

Myriad Genetics, Inc.
Classification: Likely benign for Hereditary pheochromocytoma and paraganglioma. Last evaluated: 2026-07-28. Review status: criteria provided, single submitter. Criteria: Myriad Autosomal Dominant, Autosomal Recessive and X-Linked Classification Criteria (2023). Collection method: clinical testing. Allele origin: unknown.
Comment: This variant is considered likely benign. This variant is intronic and is not expected to impact mRNA splicing.

Labcorp Genetics (formerly Invitae), Labcorp
Classification: Likely benign for Hereditary pheochromocytoma and paraganglioma. Last evaluated: 2024-08-10. Review status: criteria provided, single submitter. Criteria: Invitae Variant Classification Sherloc (09022015). Collection method: clinical testing. Allele origin: germline.

Ambry Genetics
Classification: Likely benign for Hereditary cancer-predisposing syndrome. Last evaluated: 2022-12-05. Review status: criteria provided, single submitter. Criteria: Ambry Variant Classification Scheme 2023. Collection method: clinical testing. Allele origin: germline.